The following is an entry in ClinVar:

ClinVar aggregate classification (germline): Uncertain significance (1 of 4 stars; one submission).

Conditions:
Intellectual developmental disorder, X-linked, syndromic, Turner type. Also called: X-linked intellectual disability, Turner type; Intellectual disability, X-linked syndromic, Turner type. Identifiers: Orphanet 3056, Orphanet 85328, MedGen C2678046, MONDO:0010407, OMIM 309590.

Submission:

MGZ Medical Genetics Center
Classification: Uncertain significance for Intellectual developmental disorder, X-linked, syndromic, Turner type. Last evaluated: 2021-08-17. Review status: criteria provided, single submitter. Criteria: ACMG Guidelines, 2015. Collection method: clinical testing. Allele origin: germline. Affected: yes. Observed: 1 variant allele.
Comment: ACMG criteria applied: PM2_SUP, PP2

NM_031407.7(HUWE1):c.11501A>T (p.Glu3834Val)

Gene: HUWE1 (HECT, UBA and WWE domain containing E3 ubiquitin protein ligase 1; minus strand). Cytogenetic location: Xp11.22.
Variant type: single nucleotide variant.
Coding change: c.11501A>T on transcript NM_031407.7 (MANE Select); coding-DNA position 11501, A replaced by T.
Protein change: p.Glu3834Val; replaces glutamic acid 3834 with valine.
Molecular consequence: missense variant.
Genome position (GRCh38, 1-based): chrX:53,539,788, T>A on the plus strand (A>T on the coding strand, the complement: HUWE1 is on the minus strand). VCF-style: chrX-53539788-T-A. GRCh37 (hg19) VCF-style: chrX-53566749-T-A.
Other names: short protein forms E3834V.
Identifiers: ClinVar variation 1709452 (VCV001709452.2), dbSNP rs2522467893, ClinGen allele CA413161001.